The following is an entry in ClinVar:

NM_004004.6(GJB2):c.493C>T (p.Arg165Trp)

Gene: GJB2 (gap junction protein beta 2; minus strand). Cytogenetic location: 13q12.11.
Variant type: single nucleotide variant.
Coding change: c.493C>T on transcript NM_004004.6 (MANE Select); coding-DNA position 493, C replaced by T.
Protein change: p.Arg165Trp; replaces arginine 165 with tryptophan.
Molecular consequence: missense variant.
Genome position (GRCh38, 1-based): chr13:20,189,089, G>A on the plus strand (C>T on the coding strand, the complement: GJB2 is on the minus strand). VCF-style: chr13-20189089-G-A. GRCh37 (hg19) VCF-style: chr13-20763228-G-A.
Other names: short protein forms R165W.
Identifiers: ClinVar variation 177736 (VCV000177736.32), dbSNP rs376898963, ClinGen allele CA180672.

ClinVar aggregate classification (germline): Conflicting classifications of pathogenicity. Review status: criteria provided, conflicting classifications (1 of 4 stars). 13 submissions from 11 submitters: Uncertain significance (2); Benign (1); Likely benign (9). 1 of the submissions does not count toward it. Last evaluated 2026-01-27.

Conditions:
GJB2-related disorder. Also called: GJB2-related condition; GJB2-related disorders. Identifiers: MedGen CN382183, MONDO:1060236.
Ichthyosis, hystrix-like, with hearing loss. Also called: Hystrix-like ichthyosis with deafness. Identifiers: Orphanet 477, MedGen C1865234, MONDO:0011245.
Autosomal recessive nonsyndromic hearing loss 1A (DFNB1A). Also called: GJB2-Related Autosomal Recessive Nonsyndromic Hearing Loss; GJB6-Related DFNB 1 Nonsyndromic Hearing Loss and Deafness; Connexin 26 deafness; Deafness nonsyndromic, Connexin 26 linked; Nonsyndromic Hearing Loss and Deafness, DFNB1; Deafness, autosomal recessive 1A. Identifiers: Orphanet 90636, MedGen C2673759, MONDO:0009076, OMIM 220290.
Autosomal dominant nonsyndromic hearing loss 3A. Identifiers: Orphanet 90635, MedGen C2675750, MONDO:0011103, OMIM 601544.

Allele frequency attached by ClinVar (database versions not stated): 1000 Genomes Project 0.00180; gnomAD 0.00015 and 0.00006; gnomAD exomes 0.00058 and 0.00021; 1000 Genomes Project 30x 0.00156; TOPMed 0.00004; ExAC 0.00066.
gnomAD v4.1: 336 of 1,614,022 alleles (0.021%); highest among the groups gnomAD compares: South Asian, 0.32%; 2 homozygotes.

Submissions (13):

Labcorp Genetics (formerly Invitae), Labcorp
Classification: Likely benign. Last evaluated: 2026-01-27. Review status: criteria provided, single submitter. Criteria: Invitae Variant Classification Sherloc (09022015). Collection method: clinical testing. Allele origin: germline.

PreventionGenetics, part of Exact Sciences
Classification: Likely benign for GJB2-related condition. Last evaluated: 2025-11-19. Review status: criteria provided, single submitter. Criteria: ACMG Guidelines, 2015. Collection method: clinical testing. Allele origin: germline.
Comment: This variant is classified as likely benign based on ACMG/AMP sequence variant interpretation guidelines (Richards et al. 2015 PMID: 25741868, with internal and published modifications).

Athena Diagnostics
Classification: Uncertain significance. Last evaluated: 2024-11-13. Review status: criteria provided, single submitter. Criteria: Athena Diagnostics Criteria. Collection method: clinical testing. Allele origin: unknown.
Comment: Available data are insufficient to determine the clinical significance of the variant at this time. The frequency of this variant in the general population is higher than would generally be expected for pathogenic variants in this gene. Assessment of experimental evidence suggests this variant results in abnormal protein function. (PMID: 20863150)

Pars Genome Lab
Classification: Likely benign for Autosomal recessive nonsyndromic hearing loss 1A. Last evaluated: 2021-05-18. Review status: criteria provided, single submitter. Criteria: ACMG Guidelines, 2015. Collection method: clinical testing. Allele origin: germline. Affected: no.

GeneDx
Classification: Likely benign. Last evaluated: 2021-03-05. Review status: criteria provided, single submitter. Criteria: GeneDx Variant Classification Process June 2021. Collection method: clinical testing. Allele origin: germline. Affected: yes.
Comment: Observed as heterozygous variant without a second pathogenic variant in multiple individuals with hearing loss but also in unaffected relatives in published literature (Rickard et al., 2001; Putcha et al., 2007; Vanniya et al., 2017; Gurtler et al., 2008; Amritkumar et al., 2018); Located in the second extracellular domain of Cx26; In silico analysis, which includes protein predictors and evolutionary conservation, supports a deleterious effect; This variant is associated with the following publications: (PMID: 32425985, 31992338, 30245029, 20863150, 29542069, 29148562, 16950989, 12746422, 20234132, 17666888, 18607988, 20086306, 18941476, 29921236, 25388846, 11494963, 15617550)

Mendelics
Classification: Benign for Autosomal recessive nonsyndromic hearing loss 1A. Last evaluated: 2019-05-28. Review status: criteria provided, single submitter. Criteria: Mendelics Assertion Criteria 2017. Collection method: clinical testing. Allele origin: unknown.

Women's Health and Genetics/Laboratory Corporation of America, LabCorp
Classification: Likely benign. Last evaluated: 2018-05-02. Review status: criteria provided, single submitter. Criteria: LabCorp Variant Classification Summary - May 2015. Collection method: clinical testing. Allele origin: germline.
Comment: Variant summary: GJB2 c.493C>T (p.Arg165Trp) results in a non-conservative amino acid change located in the cysteine-rich domain (IPR019570) of the encoded protein sequence. Three of five in-silico tools predict a damaging effect of the variant on protein function. The variant allele was found at a frequency of 0.00066 in 121246 control chromosomes (ExAC), predominantly observed within the South Asian subpopulation at a frequency of 0.0046, including 2 homozygotes. This frequency is not significantly higher than expected for a pathogenic variant in GJB2 causing Autosomal Recessive Non-Syndromic Hearing Loss (0.00066 vs 0.025), allowing no conclusion about variant significance. The variant, c.493C>T, has been reported in the literature in individuals affected with Non-Syndromic Hearing Loss (NSHL) (Rickard 2001, Gurtler 2008, RamShankar 2003, Hamid 2009), however in none of these cases was a second allele identified. In addition, Santos_2005, reports two families in which affected individuals do not carry the variant of interest, showing lack of cosegregation. At least one publication reported experimental evidence evaluating an impact on protein function, demonstrating the constriction of the channel pore in an intercellular dye transfer experiment (Xiao 2011). This defect might prevent the transmission of biochemically active molecules between cells, however, its implication in the pathomechanism is currently not clarified, and therefore this result does not allow convincing conclusions about the variant effect. A ClinVar submission from a clinical diagnostic laboratory (evaluation after 2014) cites the variant as "likely benign." Based on the evidence outlined above, the variant was classified as likely benign.

Illumina Laboratory Services, Illumina
Classification: Likely benign for Autosomal dominant nonsyndromic hearing loss 3A. Last evaluated: 2017-04-27. Review status: criteria provided, single submitter. Criteria: ICSL Variant Classification Criteria 13 December 2019. Collection method: clinical testing. Allele origin: germline.
Comment: This variant was observed as part of a predisposition screen in an ostensibly healthy population. A literature search was performed for the gene, cDNA change, and amino acid change (where applicable). No publications were found based on this search. Allele frequency data from public databases allowed determination this variant is unlikely to cause disease. Therefore, this variant is classified as likely benign.

Illumina Laboratory Services, Illumina
Classification: Likely benign for Autosomal dominant keratitis-ichthyosis-hearing loss syndrome. Last evaluated: 2017-04-27. Review status: criteria provided, single submitter. Criteria: ICSL Variant Classification Criteria 13 December 2019. Collection method: clinical testing. Allele origin: germline.
Comment: the same text as in the submission from Illumina Laboratory Services, Illumina above.

Illumina Laboratory Services, Illumina
Classification: Likely benign for Autosomal recessive nonsyndromic hearing loss 1A. Last evaluated: 2017-04-27. Review status: criteria provided, single submitter. Criteria: ICSL Variant Classification Criteria 13 December 2019. Collection method: clinical testing. Allele origin: germline.
Comment: This variant was observed as part of a predisposition screen in an ostensibly healthy population. A literature search was performed for the gene, cDNA change, and amino acid change (where applicable). Publications were found based on this search. The evidence from the literature, in combination with allele frequency data from public databases where available, was sufficient to determine this variant is unlikely to cause disease. Therefore, this variant is classified as likely benign.

Laboratory for Molecular Medicine, Mass General Brigham Personalized Medicine
Classification: Likely benign. Last evaluated: 2014-12-06. Review status: criteria provided, single submitter. Criteria: LMM Criteria. Collection method: clinical testing. Allele origin: germline. Observed: 1 variant allele.
Comment: p.Arg165Trp in exon 2 of GJB2: This variant has been identified in 7 individuals with hearing loss (Rickard 2001, Putcha 2007, Santos 2005); however several of these individuals did not carry a second GJB2 variant. This variant is not expec ted to have clinical significance because it is has been identified in 0.4% (77/ 16,586) of South Asian chromosomes by the Exome Aggregation Consortium (dbSNP rs376898963).

Eurofins Ntd Llc (ga)
Classification: Uncertain significance. Last evaluated: 2014-11-19. Review status: criteria provided, single submitter. Criteria: EGL Classification Definitions 2015. Collection method: clinical testing. Allele origin: germline. Observed: 1 variant allele, 1 heterozygote.

Counsyl
Classification: Uncertain significance for Autosomal recessive nonsyndromic hearing loss 1A. Last evaluated: 2017-07-14. Review status: no assertion criteria provided. Collection method: clinical testing. Allele origin: unknown. Not counted in ClinVar's aggregate classification.

Literature cited by the submitters: PubMed 11494963 (cited by 5 submitters); PubMed 29921236 (cited by Athena Diagnostics); PubMed 20863150 (cited by 4 submitters); PubMed 15617550 (cited by 6 submitters); PubMed 12746422 (cited by 4 submitters); PubMed 20086306 (cited by 4 submitters); PubMed 20234132 (cited by 4 submitters); PubMed 29148562 (cited by Athena Diagnostics and Women's Health and Genetics/Laboratory Corporation of America, LabCorp); PubMed 25447126 (cited by Athena Diagnostics); PubMed 18607988 (cited by 4 submitters); PubMed 18941476 (cited by Athena Diagnostics and Counsyl); PubMed 31992338 (cited by Athena Diagnostics); PubMed 36579563 (cited by Athena Diagnostics); PubMed 25388846 (cited by Illumina Laboratory Services, Illumina); PubMed 17666888 (cited by Counsyl); PubMed 16950989 (cited by Counsyl).